The following is an entry in ClinVar:

ClinVar aggregate classification (germline): Uncertain significance (1 of 4 stars; one submission).

Conditions:
Epilepsy, progressive myoclonic, 1B. Also called: PME. Identifiers: Orphanet 308, MedGen C2676254, MONDO:0012904, OMIM 612437.

Submission:

Labcorp Genetics (formerly Invitae), Labcorp
Classification: Uncertain significance for Epilepsy, progressive myoclonic, 1B. Last evaluated: 2024-12-09. Review status: criteria provided, single submitter. Criteria: Invitae Variant Classification Sherloc (09022015). Collection method: clinical testing. Allele origin: germline.
Comment: This sequence change replaces methionine, which is neutral and non-polar, with threonine, which is neutral and polar, at codon 435 of the PRICKLE1 protein (p.Met435Thr). This variant is not present in population databases (gnomAD no frequency). This variant has not been reported in the literature in individuals affected with PRICKLE1-related conditions. ClinVar contains an entry for this variant (Variation ID: 2005712). Invitae Evidence Modeling of protein sequence and biophysical properties (such as structural, functional, and spatial information, amino acid conservation, physicochemical variation, residue mobility, and thermodynamic stability) indicates that this missense variant is not expected to disrupt PRICKLE1 protein function with a negative predictive value of 80%. In summary, the available evidence is currently insufficient to determine the role of this variant in disease. Therefore, it has been classified as a Variant of Uncertain Significance.

NM_153026.3(PRICKLE1):c.1304T>C (p.Met435Thr)

Gene: PRICKLE1 (prickle planar cell polarity protein 1; minus strand). Cytogenetic location: 12q12.
Variant type: single nucleotide variant.
Coding change: c.1304T>C on transcript NM_153026.3 (MANE Select); coding-DNA position 1304, T replaced by C.
Protein change: p.Met435Thr; replaces methionine 435 with threonine.
Molecular consequence: missense variant.
Genome position (GRCh38, 1-based): chr12:42,464,730, A>G on the plus strand (T>C on the coding strand, the complement: PRICKLE1 is on the minus strand). VCF-style: chr12-42464730-A-G. GRCh37 (hg19) VCF-style: chr12-42858532-A-G.
Other names: c.1304T>C, p.Met435Thr (NM_001144881.2, NM_001144882.2, NM_001144883.2); short protein forms M435T.
Identifiers: ClinVar variation 2005712 (VCV002005712.4), dbSNP rs2503414205, ClinGen allele CA384442002.
Genomic context (GRCh38, chr12:42,464,730, plus strand): 5'-AACTCGGTCTTACTTTTAACCATGTTATCAGATATCCAGTGCTCACTGGCTCGAATATCC[A>G]TCTCATTGGGCTGTGGCTGAAAGAGGCTTTTATCACCAAACTTGAGGAGGAGCTGCGTCA-3'
Protein context (NP_694571.2, residues 425-445): KSLFQPQPNE[Met435Thr]DIRASEHWIS